The following is an entry in ClinVar:

NM_005640.3(TAF4B):c.886G>A (p.Ala296Thr)

Gene: TAF4B (TATA-box binding protein associated factor 4b; plus strand). Cytogenetic location: 18q11.2.
Variant type: single nucleotide variant.
Coding change: c.886G>A on transcript NM_005640.3 (MANE Select); coding-DNA position 886, G replaced by A.
Protein change: p.Ala296Thr; replaces alanine 296 with threonine.
Molecular consequence: missense variant. On other transcripts: non-coding transcript variant (1).
Genome position (GRCh38, 1-based): chr18:26,281,974, G>A. VCF-style: chr18-26281974-G-A. GRCh37 (hg19) VCF-style: chr18-23861938-G-A.
Other names: c.886G>A, p.Ala296Thr (NM_001293725.2); c.886G>A (NM_005640.1); short protein forms A296T.
Identifiers: ClinVar variation 2648624 (VCV002648624.24), dbSNP rs199708767, ClinGen allele CA8921700.

ClinVar aggregate classification (germline): Uncertain significance. Review status: criteria provided, multiple submitters, no conflicts (2 of 4 stars). 2 submissions from 2 submitters: Uncertain significance (2). Last evaluated 2025-05-19.

Allele frequency attached by ClinVar (database versions not stated): gnomAD exomes 0.00003; ESP Exome Variant Server 0.00008; 1000 Genomes Project 30x 0.00016; 1000 Genomes Project 0.00020.
gnomAD v4.1: 59 of 1,611,314 alleles (0.0037%); highest among the groups gnomAD compares: Non-Finnish European, 0.0042%; no homozygotes.

Submissions (2):

Ambry Genetics
Classification: Uncertain significance. Last evaluated: 2025-05-19. Review status: criteria provided, single submitter. Criteria: Ambry Variant Classification Scheme 2023. Collection method: clinical testing. Allele origin: germline.

CeGaT Center for Human Genetics Tuebingen
Classification: Uncertain significance. Last evaluated: 2022-11-01. Review status: criteria provided, single submitter. Criteria: CeGaT Center For Human Genetics Tuebingen Variant Classification Criteria Version 2. Collection method: clinical testing. Allele origin: germline. Affected: yes. Observed: 1 variant allele.
Comment: TAF4B: PM2